The following is an entry in ClinVar:

ClinVar aggregate classification (germline): Uncertain significance. Review status: criteria provided, single submitter (1 of 4 stars). 2 submissions from 2 submitters: Uncertain significance (1). 1 of the submissions does not count toward it. Last evaluated 2021-08-29.

Conditions:
Meckel-Gruber syndrome. Also called: Dysencephalia splachnocystica; DYSENCEPHALIA SPLANCHNOCYSTICA; GRUBER SYNDROME. Identifiers: Orphanet 564, MedGen C0265215, MONDO:0018921.
Nephronophthisis. Also called: Juvenile Nephronophthisis. Identifiers: Orphanet 655, MedGen C0687120, MONDO:0019005, HP:0000090.
Joubert syndrome. Also called: Familial aplasia of the vermis; CEREBELLOPARENCHYMAL DISORDER IV; JOUBERT-BOLTSHAUSER SYNDROME. Identifiers: Orphanet 475, MedGen C5979921, MONDO:0018772.
Leber congenital amaurosis (LCA). Also called: Leber's amaurosis. Identifiers: Orphanet 65, MedGen C0339527, MeSH D057130, MONDO:0018998.

Allele frequency attached by ClinVar (database versions not stated): TOPMed below 0.00001.

Submissions (2):

Labcorp Genetics (formerly Invitae), Labcorp
Classification: Uncertain significance for Joubert syndrome; Meckel-Gruber syndrome; Nephronophthisis. Last evaluated: 2021-08-29. Review status: criteria provided, single submitter. Criteria: Invitae Variant Classification Sherloc (09022015). Collection method: clinical testing. Allele origin: germline.
Comment: In summary, the available evidence is currently insufficient to determine the role of this variant in disease. Therefore, it has been classified as a Variant of Uncertain Significance. Algorithms developed to predict the effect of missense changes on protein structure and function are either unavailable or do not agree on the potential impact of this missense change (SIFT: "Deleterious"; PolyPhen-2: "Benign"; Align-GVGD: "Class C0"). This variant has not been reported in the literature in individuals with CEP290-related conditions. This variant is not present in population databases (ExAC no frequency). This sequence change replaces tyrosine with cysteine at codon 1080 of the CEP290 protein (p.Tyr1080Cys). The tyrosine residue is moderately conserved and there is a large physicochemical difference between tyrosine and cysteine.

Natera, Inc.
Classification: Uncertain significance for Leber congenital amaurosis. Last evaluated: 2020-08-13. Review status: no assertion criteria provided. Collection method: clinical testing. Allele origin: germline. Not counted in ClinVar's aggregate classification.

NM_025114.4(CEP290):c.3239A>G (p.Tyr1080Cys)

Gene: CEP290 (centrosomal protein 290; minus strand). Cytogenetic location: 12q21.32.
Variant type: single nucleotide variant.
Coding change: c.3239A>G on transcript NM_025114.4 (MANE Select); coding-DNA position 3239, A replaced by G.
Protein change: p.Tyr1080Cys; replaces tyrosine 1080 with cysteine.
Molecular consequence: missense variant.
Genome position (GRCh38, 1-based): chr12:88,093,840, T>C on the plus strand (A>G on the coding strand, the complement: CEP290 is on the minus strand). VCF-style: chr12-88093840-T-C. GRCh37 (hg19) VCF-style: chr12-88487617-T-C.
Other names: short protein forms Y1080C.
Identifiers: ClinVar variation 991343 (VCV000991343.9), dbSNP rs902039539, ClinGen allele CA241168648.